The following is an entry in ClinVar:

ClinVar aggregate classification (germline): Uncertain significance. Review status: criteria provided, multiple submitters, no conflicts (2 of 4 stars). 2 submissions from 2 submitters: Uncertain significance (2). Last evaluated 2026-04-30.

Conditions:
MYH11-related disorder. Also called: MYH11-related condition.
Familial thoracic aortic aneurysm and aortic dissection (TAAD). Also called: Thoracic aortic aneurysms and dissections. Identifiers: Orphanet 91387, MedGen C4707243, MONDO:0019625.

Submissions (2):

PreventionGenetics, part of Exact Sciences
Classification: Uncertain significance for MYH11-related condition. Last evaluated: 2026-04-30. Review status: criteria provided, single submitter. Criteria: ACMG Guidelines, 2015. Collection method: clinical testing. Allele origin: germline.
Comment: The MYH11 c.5339T>C variant is predicted to result in the amino acid substitution p.Leu1780Pro. To our knowledge, this variant has not been reported in the literature or in a large population database (gnomAD), indicating this variant is rare. At this time, the clinical significance of this variant is uncertain due to the absence of conclusive functional and genetic evidence.

All of Us Research Program, National Institutes of Health
Classification: Uncertain significance for Familial thoracic aortic aneurysm and aortic dissection. Last evaluated: 2023-10-02. Review status: criteria provided, single submitter. Criteria: ACMG Guidelines, 2015. Collection method: clinical testing. Allele origin: germline. Inheritance: Autosomal dominant inheritance. Observed: 1 variant allele, 1 heterozygote.
Comment: This missense variant replaces leucine with proline at codon 1780 of the MYH11 protein. Computational prediction suggests that this variant may have deleterious impact on protein structure and function (internally defined REVEL score threshold >= 0.7, PMID: 27666373). To our knowledge, functional studies have not been reported for this variant. This variant has not been reported in individuals affected with MYH11-related disorders in the literature. This variant has not been identified in the general population by the Genome Aggregation Database (gnomAD). The available evidence is insufficient to determine the role of this variant in disease conclusively. Therefore, this variant is classified as a Variant of Uncertain Significance.

This study involves interpretation of variants in research participants for the purpose of population health screening. Participant phenotype was not available at the time of variant classification. Additional details can be found in publication PMID: 35346344, PMCID: PMC8962531

NM_002474.3(MYH11):c.5318T>C (p.Leu1773Pro)

Genes: MYH11 (myosin heavy chain 11; minus strand), NDE1 (nudE neurodevelopment protein 1; plus strand). Cytogenetic location: 16p13.11.
Variant type: single nucleotide variant.
Coding change: c.5318T>C on transcript NM_002474.3 (MANE Select); coding-DNA position 5318, T replaced by C.
Protein change: p.Leu1773Pro; replaces leucine 1773 with proline.
Molecular consequence: missense variant. On other transcripts: intron variant (2).
Genome position (GRCh38, 1-based): chr16:15,717,326, A>G on the plus strand (T>C on the coding strand, the complement: MYH11 is on the minus strand). VCF-style: chr16-15717326-A-G. GRCh37 (hg19) VCF-style: chr16-15811183-A-G.
Other names: c.5339T>C (NM_001040113.1); c.5339T>C, p.Leu1780Pro (NM_001040113.2, NM_001040114.2); c.5318T>C, p.Leu1773Pro (NM_022844.3); c.948-6865A>G (NM_001143979.2, NM_017668.3); short protein forms L1773P, L1780P.
Identifiers: ClinVar variation 3073572 (VCV003073572.2), dbSNP rs2506084422, ClinGen allele CA394849318.